The following is an entry in ClinVar:

NM_001005242.3(PKP2):c.1946G>A (p.Ser649Asn)

Gene: PKP2 (plakophilin 2; minus strand). Cytogenetic location: 12p11.21.
Variant type: single nucleotide variant.
Coding change: c.1946G>A on transcript NM_001005242.3 (MANE Select); coding-DNA position 1946, G replaced by A.
Protein change: p.Ser649Asn; replaces serine 649 with asparagine.
Molecular consequence: missense variant.
Genome position (GRCh38, 1-based): chr12:32,821,423, C>T on the plus strand (G>A on the coding strand, the complement: PKP2 is on the minus strand). VCF-style: chr12-32821423-C-T. GRCh37 (hg19) VCF-style: chr12-32974357-C-T.
Other names: c.2078G>A, p.Ser693Asn (NM_001407157.1, NM_004572.4); c.1619G>A, p.Ser540Asn (NM_001407158.1, NM_001407159.1, NM_001407160.1 and 1 more transcripts); c.1946G>A, p.Ser649Asn (NM_001407161.1, NM_001407155.1); c.1781G>A, p.Ser594Asn (NM_001407156.1); short protein forms S594N, S649N, S693N, S540N.
Identifiers: ClinVar variation 4614727 (VCV004614727.1).

ClinVar aggregate classification (germline): Uncertain significance (1 of 4 stars; one submission).

Conditions:
Cardiovascular phenotype. Identifiers: MedGen CN230736.

Submission:

Ambry Genetics
Classification: Uncertain significance for Cardiovascular phenotype. Last evaluated: 2025-11-02. Review status: criteria provided, single submitter. Criteria: Ambry Variant Classification Scheme 2023. Collection method: clinical testing. Allele origin: germline.
Comment: The p.S693N variant (also known as c.2078G>A), located in coding exon 10 of the PKP2 gene, results from a G to A substitution at nucleotide position 2078. The serine at codon 693 is replaced by asparagine, an amino acid with highly similar properties. This amino acid position is conserved. In addition, the in silico prediction for this alteration is inconclusive. Based on the available evidence, the clinical significance of this variant remains unclear.